The following is an entry in ClinVar:

ClinVar aggregate classification (germline): Uncertain significance (1 of 4 stars; one submission).

Conditions:
Chédiak-Higashi syndrome (CHS). Also called: Chediak-Higashi Syndrome. Identifiers: Orphanet 167, MedGen C0007965, MONDO:0008963, OMIM 214500.

Submission:

Labcorp Genetics (formerly Invitae), Labcorp
Classification: Uncertain significance for Chédiak-Higashi syndrome. Last evaluated: 2025-10-10. Review status: criteria provided, single submitter. Criteria: Invitae Variant Classification Sherloc (09022015). Collection method: clinical testing. Allele origin: germline.
Comment: This variant, c.5819_5821del, results in the deletion of 1 amino acid(s) of the LYST protein (p.Glu1940del), but otherwise preserves the integrity of the reading frame. This variant is not present in population databases (gnomAD no frequency). This variant has not been reported in the literature in individuals affected with LYST-related conditions. Experimental studies and prediction algorithms are not available or were not evaluated, and the functional significance of this variant is currently unknown. In summary, the available evidence is currently insufficient to determine the role of this variant in disease. Therefore, it has been classified as a Variant of Uncertain Significance.

NM_000081.4(LYST):c.5819_5821del (p.Glu1940del)

Gene: LYST (lysosomal trafficking regulator; minus strand). Cytogenetic location: 1q42.3.
Variant type: Deletion.
Coding change: c.5819_5821del on transcript NM_000081.4 (MANE Select); coding-DNA positions 5819 to 5821, 3 bases deleted (AAG; older notation c.5819_5821delAAG).
Protein change: p.Glu1940del; deletes glutamic acid 1940.
Molecular consequence: inframe deletion.
Genome position (GRCh38, 1-based): chr1:235,770,261-235,770,263, CTT deleted on the plus strand (AAG on the coding strand, the reverse complement: LYST is on the minus strand); deleting any 3 consecutive bases within chr1:235,770,261-235,770,265 gives the same sequence; the c. name uses the placement nearest the transcript's 3' end. VCF-style (leftmost placement, unchanged base first): chr1-235770260-ACTT-A. GRCh37 (hg19) VCF-style: chr1-235933560-ACTT-A.
Other names: c.5819_5821del, p.Glu1940del (NM_001301365.1); short protein forms E1940del.
Identifiers: ClinVar variation 4728917 (VCV004728917.1).